The following is an entry in ClinVar:

ClinVar aggregate classification (germline): Uncertain significance. Review status: criteria provided, multiple submitters, no conflicts (2 of 4 stars). 3 submissions from 3 submitters: Uncertain significance (3). Last evaluated 2023-04-09.

Conditions:
Charcot-Marie-Tooth disease dominant intermediate B (CMTDIB). Also called: CHARCOT-MARIE-TOOTH NEUROPATHY, DOMINANT INTERMEDIATE B; Charcot-Marie-Tooth disease dominant intermediate 1; CMT DI1; Charcot-Marie-Tooth disease dominant intermediate I. Identifiers: Orphanet 100044, Orphanet 228179, MedGen C1847902, MONDO:0011674, OMIM 606482.

Allele frequency attached by ClinVar (database versions not stated): ExAC 0.00001; gnomAD 0.00001; gnomAD exomes 0.00001; TOPMed 0.00002.
gnomAD v4.1: 10 of 1,613,854 alleles (0.00062%); highest among the groups gnomAD compares: Non-Finnish European, 0.00085%; no homozygotes.

Submissions (3):

Labcorp Genetics (formerly Invitae), Labcorp
Classification: Uncertain significance for Charcot-Marie-Tooth disease dominant intermediate B. Last evaluated: 2023-04-09. Review status: criteria provided, single submitter. Criteria: Invitae Variant Classification Sherloc (09022015). Collection method: clinical testing. Allele origin: germline.
Comment: This variant is not present in population databases (gnomAD no frequency). This sequence change replaces methionine, which is neutral and non-polar, with valine, which is neutral and non-polar, at codon 725 of the DNM2 protein (p.Met725Val). This variant has not been reported in the literature in individuals affected with DNM2-related conditions. In summary, the available evidence is currently insufficient to determine the role of this variant in disease. Therefore, it has been classified as a Variant of Uncertain Significance. Advanced modeling of protein sequence and biophysical properties (such as structural, functional, and spatial information, amino acid conservation, physicochemical variation, residue mobility, and thermodynamic stability) has been performed at Invitae for this missense variant, however the output from this modeling did not meet the statistical confidence thresholds required to predict the impact of this variant on DNM2 protein function. ClinVar contains an entry for this variant (Variation ID: 941855).

GeneDx
Classification: Uncertain significance. Last evaluated: 2023-02-06. Review status: criteria provided, single submitter. Criteria: GeneDx Variant Classification Process June 2021. Collection method: clinical testing. Allele origin: germline. Affected: yes.
Comment: Not observed In large population cohorts (gnomAD); In silico analysis supports that this missense variant has a deleterious effect on protein structure/function; Missense variants in this gene are often considered pathogenic (HGMD); Has not been previously published as pathogenic or benign to our knowledge

Revvity Omics, Revvity
Classification: Uncertain significance. Last evaluated: 2020-07-10. Review status: criteria provided, single submitter. Criteria: ACMG Guidelines, 2015. Collection method: clinical testing. Allele origin: germline.

NM_001005361.3(DNM2):c.2173A>G (p.Met725Val)

Gene: DNM2 (dynamin 2; plus strand). Cytogenetic location: 19p13.2.
Variant type: single nucleotide variant.
Coding change: c.2173A>G on transcript NM_001005361.3 (MANE Select); coding-DNA position 2173, A replaced by G.
Protein change: p.Met725Val; replaces methionine 725 with valine.
Molecular consequence: missense variant.
Genome position (GRCh38, 1-based): chr19:10,829,150, A>G. VCF-style: chr19-10829150-A-G. GRCh37 (hg19) VCF-style: chr19-10939826-A-G.
Other names: c.2173A>G, p.Met725Val (NM_001005360.3, NM_001190716.2); c.2161A>G, p.Met721Val (NM_001005362.3, NM_004945.4); short protein forms M721V, M725V.
Identifiers: ClinVar variation 941855 (VCV000941855.13), dbSNP rs757876109, ClinGen allele CA9201540.